The following is an entry in ClinVar:

NM_145054.5(CFAP52):c.509G>A (p.Arg170Gln)

Gene: CFAP52 (cilia and flagella associated protein 52; plus strand). Cytogenetic location: 17p13.1.
Variant type: single nucleotide variant.
Coding change: c.509G>A on transcript NM_145054.5 (MANE Select); coding-DNA position 509, G replaced by A.
Protein change: p.Arg170Gln; replaces arginine 170 with glutamine.
Molecular consequence: missense variant.
Genome position (GRCh38, 1-based): chr17:9,594,294, G>A. VCF-style: chr17-9594294-G-A. GRCh37 (hg19) VCF-style: chr17-9497611-G-A.
Other names: c.305G>A, p.Arg102Gln (NM_001080556.2); short protein forms R102Q, R170Q.
Identifiers: ClinVar variation 969026 (VCV000969026.2), dbSNP rs34653219, ClinGen allele CA8381903.

ClinVar aggregate classification (germline): Uncertain significance. Review status: criteria provided, multiple submitters, no conflicts (2 of 4 stars). 2 submissions from 2 submitters: Uncertain significance (2). Last evaluated 2023-12-17.

Conditions:
Situs inversus. Also called: Situs inversus totalis. Identifiers: Orphanet 101063, MedGen C4551493, MONDO:0010029, HP:0001696.

Allele frequency attached by ClinVar (database versions not stated): ExAC 0.00003; gnomAD 0.00003 and 0.00004; gnomAD exomes 0.00003; TOPMed 0.00007; 1000 Genomes Project 30x 0.00016; 1000 Genomes Project 0.00020; ESP Exome Variant Server 0.00023.
gnomAD v4.1: 56 of 1,613,888 alleles (0.0035%); highest among the groups gnomAD compares: Middle Eastern, 0.017%; no homozygotes.

Submissions (2):

Ambry Genetics
Classification: Uncertain significance. Last evaluated: 2023-12-17. Review status: criteria provided, single submitter. Criteria: Ambry Variant Classification Scheme 2023. Collection method: clinical testing. Allele origin: germline.

Labcorp Genetics (formerly Invitae), Labcorp
Classification: Uncertain significance for Situs inversus. Last evaluated: 2019-10-30. Review status: criteria provided, single submitter. Criteria: Invitae Variant Classification Sherloc (09022015). Collection method: clinical testing. Allele origin: germline.
Comment: This sequence change replaces arginine with glutamine at codon 170 of the CFAP52 protein (p.Arg170Gln). The arginine residue is moderately conserved and there is a small physicochemical difference between arginine and glutamine. This variant is present in population databases (rs34653219, ExAC 0.02%). This variant has not been reported in the literature in individuals with CFAP52-related conditions. Algorithms developed to predict the effect of missense changes on protein structure and function output the following: SIFT: "Tolerated"; PolyPhen-2: "Benign"; Align-GVGD: "Class C0". The glutamine amino acid residue is found in multiple mammalian species, suggesting that this missense change does not adversely affect protein function. These predictions have not been confirmed by published functional studies and their clinical significance is uncertain. In summary, the available evidence is currently insufficient to determine the role of this variant in disease. Therefore, it has been classified as a Variant of Uncertain Significance.